The following is an entry in ClinVar:

NM_004999.4(MYO6):c.835A>T (p.Thr279Ser)

Gene: MYO6 (myosin VI; plus strand). Cytogenetic location: 6q14.1.
Variant type: single nucleotide variant.
Coding change: c.835A>T on transcript NM_004999.4 (MANE Select); coding-DNA position 835, A replaced by T.
Protein change: p.Thr279Ser; replaces threonine 279 with serine.
Molecular consequence: missense variant. On other transcripts: non-coding transcript variant (1).
Genome position (GRCh38, 1-based): chr6:75,844,915, A>T. VCF-style: chr6-75844915-A-T. GRCh37 (hg19) VCF-style: chr6-76554632-A-T.
Other names: c.835A>T, p.Thr279Ser (NM_001300899.2, NM_001368136.1, NM_001368137.1 and 2 more transcripts); c.820A>T, p.Thr274Ser (NM_001368138.1); short protein forms T274S, T279S.
Identifiers: ClinVar variation 1064994 (VCV001064994.3), dbSNP rs2150265571, ClinGen allele CA364751584.

ClinVar aggregate classification (germline): Uncertain significance (1 of 4 stars; one submission).

Conditions:
Hearing impairment. Also called: Impaired Hearing. Identifiers: MedGen C1384666, MONDO:0005365, HP:0000365.

Submission:

Department of Otolaryngology – Head & Neck Surgery, Cochlear Implant Center
Classification: Uncertain significance for Hearing impairment. Last evaluated: 2021-04-12. Review status: criteria provided, single submitter. Criteria: ClinGen HL ACMG Specifications v1. Collection method: clinical testing. Allele origin: germline. Affected: yes.
Comment: PM2_Moderate, PP3_Supporting